The following is an entry in ClinVar:

ClinVar aggregate classification (germline): Uncertain significance. Review status: criteria provided, multiple submitters, no conflicts (2 of 4 stars). 2 submissions from 2 submitters: Uncertain significance (2). Last evaluated 2025-04-13.

Conditions:
Inborn genetic diseases. Identifiers: MedGen C0950123, MeSH D030342.

gnomAD v4.1: 25 of 1,613,806 alleles (0.0015%); highest among the groups gnomAD compares: Non-Finnish European, 0.002%; no homozygotes.

Submissions (2):

Ambry Genetics
Classification: Uncertain significance for Inborn genetic diseases. Last evaluated: 2025-04-13. Review status: criteria provided, single submitter. Criteria: Ambry Variant Classification Scheme 2023. Collection method: clinical testing. Allele origin: germline.

GeneDx
Classification: Uncertain significance. Last evaluated: 2024-05-08. Review status: criteria provided, single submitter. Criteria: GeneDx Variant Classification Process June 2021. Collection method: clinical testing. Allele origin: germline. Affected: yes.
Comment: Not observed at significant frequency in large population cohorts (gnomAD); In silico analysis supports that this missense variant has a deleterious effect on protein structure/function; Has not been previously published as pathogenic or benign to our knowledge

NM_022124.6(CDH23):c.5035A>G (p.Ile1679Val)

Gene: CDH23 (cadherin related 23; plus strand). Cytogenetic location: 10q22.1.
Variant type: single nucleotide variant.
Coding change: c.5035A>G on transcript NM_022124.6 (MANE Select); coding-DNA position 5035, A replaced by G.
Protein change: p.Ile1679Val; replaces isoleucine 1679 with valine.
Molecular consequence: missense variant.
Genome position (GRCh38, 1-based): chr10:71,777,869, A>G. VCF-style: chr10-71777869-A-G. GRCh37 (hg19) VCF-style: chr10-73537626-A-G.
Other names: short protein forms I1679V.
Identifiers: ClinVar variation 3375892 (VCV003375892.2).
Genomic context (GRCh38, chr10:71,777,869, plus strand): 5'-GCACTGGACCTGGATGAGGGTCCCAACGGCACAGTCACCTATGCCATCGTCGCAGGCAAC[A>G]TCGTCAACACCTTCCGCATCGACAGACACATGGTCAGCAGCTGATGGCAGGATCAAGACA-3'
Protein context (NP_071407.4, residues 1669-1689): TVTYAIVAGN[Ile1679Val]VNTFRIDRHM